The following is an entry in ClinVar:

NM_139318.5(KCNH5):c.2446A>G (p.Asn816Asp)

Gene: KCNH5 (potassium voltage-gated channel subfamily H member 5; minus strand). Cytogenetic location: 14q23.2.
Variant type: single nucleotide variant.
Coding change: c.2446A>G on transcript NM_139318.5 (MANE Select); coding-DNA position 2446, A replaced by G.
Protein change: p.Asn816Asp; replaces asparagine 816 with aspartic acid.
Molecular consequence: missense variant. On other transcripts: 3 prime UTR variant (1).
Genome position (GRCh38, 1-based): chr14:62,708,029, T>C on the plus strand (A>G on the coding strand, the complement: KCNH5 is on the minus strand). VCF-style: chr14-62708029-T-C. GRCh37 (hg19) VCF-style: chr14-63174747-T-C.
Other names: c.*413A>G (NM_172375.3); short protein forms N816D.
Identifiers: ClinVar variation 2847210 (VCV002847210.3), dbSNP rs2502653645, ClinGen allele CA390100595.
Genomic context (GRCh38, chr14:62,708,029, plus strand): 5'-ACTCAGCTTTAGTGACATTATTCCAGTCTTCCTTTTTCTCCTCATGGGCTCCCATATTAT[T>C]CTTGAGTCGCAGCCACCCTTTTCCATTTCCATTCTTCATTCTTATTGGGCTGTTGACTTT-3'
Protein context (NP_647479.2, residues 806-826): GNGKGWLRLK[Asn816Asp]NMGAHEEKKE

ClinVar aggregate classification (germline): Uncertain significance (1 of 4 stars; one submission).

Conditions:
Early-infantile DEE. Also called: Early infantile epileptic encephalopathy; Early infantile epileptic encephalopathy with suppression bursts; Ohtahara syndrome. Identifiers: Orphanet 1934, MedGen C0393706, MONDO:0800491.

Submission:

Labcorp Genetics (formerly Invitae), Labcorp
Classification: Uncertain significance for Early-infantile DEE. Last evaluated: 2023-07-20. Review status: criteria provided, single submitter. Criteria: Invitae Variant Classification Sherloc (09022015). Collection method: clinical testing. Allele origin: germline.
Comment: In summary, the available evidence is currently insufficient to determine the role of this variant in disease. Therefore, it has been classified as a Variant of Uncertain Significance. This sequence change replaces asparagine, which is neutral and polar, with aspartic acid, which is acidic and polar, at codon 816 of the KCNH5 protein (p.Asn816Asp). This variant is not present in population databases (gnomAD no frequency). This variant has not been reported in the literature in individuals affected with KCNH5-related conditions. Advanced modeling of protein sequence and biophysical properties (such as structural, functional, and spatial information, amino acid conservation, physicochemical variation, residue mobility, and thermodynamic stability) performed at Invitae indicates that this missense variant is not expected to disrupt KCNH5 protein function.